The following is an entry in ClinVar:

NM_004304.5(ALK):c.1274G>T (p.Cys425Phe)

Gene: ALK (ALK receptor tyrosine kinase; minus strand). Cytogenetic location: 2p23.2.
Variant type: single nucleotide variant.
Coding change: c.1274G>T on transcript NM_004304.5 (MANE Select); coding-DNA position 1274, G replaced by T.
Protein change: p.Cys425Phe; replaces cysteine 425 with phenylalanine.
Molecular consequence: missense variant.
Genome position (GRCh38, 1-based): chr2:29,383,740, C>A on the plus strand (G>T on the coding strand, the complement: ALK is on the minus strand). VCF-style: chr2-29383740-C-A. GRCh37 (hg19) VCF-style: chr2-29606606-C-A.
Other names: short protein forms C425F.
Identifiers: ClinVar variation 4870488 (VCV004870488.1).
Genomic context (GRCh38, chr2:29,383,740, plus strand): 5'-ACATCTAACACAATAGGCTACCAAGGAGCGTGGGAAAGCCAGATTCAGATACCTTCACTG[C>A]AGTTCTTCAGGGCAAAGAAGTCCACTGCAGACAAGCTGCGGTTTCCACTGGAGATGTATT-3'
Protein context (NP_004295.2, residues 415-435): SAVDFFALKN[Cys425Phe]SEGTSPGSKM

ClinVar aggregate classification (germline): Uncertain significance (1 of 4 stars; one submission).

Conditions:
Hereditary cancer-predisposing syndrome. Also called: Neoplastic Syndromes, Hereditary; Tumor predisposition; Hereditary Cancer Syndrome; Hereditary neoplastic syndrome. Identifiers: Orphanet 140162, MedGen C0027672, MeSH D009386, MONDO:0015356.

Submission:

Ambry Genetics
Classification: Uncertain significance for Hereditary cancer-predisposing syndrome. Last evaluated: 2026-05-30. Review status: criteria provided, single submitter. Criteria: Ambry Variant Classification Scheme 2023. Collection method: clinical testing. Allele origin: germline.
Comment: The p.C425F variant (also known as c.1274G>T), located in coding exon 5 of the ALK gene, results from a G to T substitution at nucleotide position 1274. The cysteine at codon 425 is replaced by phenylalanine, an amino acid with highly dissimilar properties. This amino acid position is conserved. In addition, this alteration is predicted to be deleterious by in silico analysis. Based on the available evidence, the clinical significance of this variant remains unclear.